The following is an entry in ClinVar:

NM_006206.6(PDGFRA):c.3255A>T (p.Glu1085Asp)

Gene: PDGFRA (platelet derived growth factor receptor alpha; plus strand). Cytogenetic location: 4q12.
Variant type: single nucleotide variant.
Coding change: c.3255A>T on transcript NM_006206.6 (MANE Select); coding-DNA position 3255, A replaced by T.
Protein change: p.Glu1085Asp; replaces glutamic acid 1085 with aspartic acid.
Molecular consequence: missense variant.
Genome position (GRCh38, 1-based): chr4:54,295,257, A>T. VCF-style: chr4-54295257-A-T. GRCh37 (hg19) VCF-style: chr4-55161424-A-T.
Other names: c.3294A>T, p.Glu1098Asp (NM_001347830.2); c.3330A>T, p.Glu1110Asp (NM_001347828.2); c.3255A>T, p.Glu1085Asp (NM_001347829.2); short protein forms E1098D, E1085D, E1110D.
Identifiers: ClinVar variation 3684792 (VCV003684792.2).

ClinVar aggregate classification (germline): Uncertain significance (1 of 4 stars; one submission).

Conditions:
Gastrointestinal stromal tumor. Also called: Gastrointestinal stromal tumor, somatic; Gastrointestinal stroma tumor. Identifiers: Orphanet 44890, MedGen C0238198, MeSH D046152, MONDO:0011719, OMIM 606764, HP:0100723.

Submission:

Labcorp Genetics (formerly Invitae), Labcorp
Classification: Uncertain significance for Gastrointestinal stromal tumor. Last evaluated: 2024-02-09. Review status: criteria provided, single submitter. Criteria: Invitae Variant Classification Sherloc (09022015). Collection method: clinical testing. Allele origin: germline.
Comment: This sequence change replaces glutamic acid, which is acidic and polar, with aspartic acid, which is acidic and polar, at codon 1085 of the PDGFRA protein (p.Glu1085Asp). This variant is not present in population databases (gnomAD no frequency). This variant has not been reported in the literature in individuals affected with PDGFRA-related conditions. An algorithm developed to predict the effect of missense changes on protein structure and function (PolyPhen-2) suggests that this variant is likely to be disruptive. In summary, the available evidence is currently insufficient to determine the role of this variant in disease. Therefore, it has been classified as a Variant of Uncertain Significance.